The following is an entry in ClinVar:

ClinVar aggregate classification (germline): Uncertain significance (1 of 4 stars; one submission).

Submission:

Ambry Genetics
Classification: Uncertain significance. Last evaluated: 2024-01-06. Review status: criteria provided, single submitter. Criteria: Ambry Variant Classification Scheme 2023. Collection method: clinical testing. Allele origin: germline.
Comment: The p.C414Y variant (also known as c.1241G>A), located in coding exon 11 of the RAD54L gene, results from a G to A substitution at nucleotide position 1241. The cysteine at codon 414 is replaced by tyrosine, an amino acid with highly dissimilar properties. This amino acid position is conserved. In addition, this alteration is predicted to be deleterious by in silico analysis. Since supporting evidence is limited at this time, the clinical significance of this alteration remains unclear.

NM_003579.4(RAD54L):c.1241G>A (p.Cys414Tyr)

Gene: RAD54L (RAD54 like; plus strand). Cytogenetic location: 1p34.1.
Variant type: single nucleotide variant.
Coding change: c.1241G>A on transcript NM_003579.4 (MANE Select); coding-DNA position 1241, G replaced by A.
Protein change: p.Cys414Tyr; replaces cysteine 414 with tyrosine.
Molecular consequence: missense variant.
Genome position (GRCh38, 1-based): chr1:46,272,537, G>A. VCF-style: chr1-46272537-G-A. GRCh37 (hg19) VCF-style: chr1-46738209-G-A.
Other names: c.1241G>A, p.Cys414Tyr (NM_001142548.2); c.701G>A, p.Cys234Tyr (NM_001370766.1); short protein forms C234Y, C414Y.
Identifiers: ClinVar variation 1758419 (VCV001758419.2), dbSNP rs1051736673, ClinGen allele CA21897094.